The following is an entry in ClinVar:

NM_020964.3(EPG5):c.6148G>A (p.Ala2050Thr)

Gene: EPG5 (ectopic P-granules 5 autophagy tethering factor; minus strand). Cytogenetic location: 18q12.3.
Variant type: single nucleotide variant.
Coding change: c.6148G>A on transcript NM_020964.3 (MANE Select); coding-DNA position 6148, G replaced by A.
Protein change: p.Ala2050Thr; replaces alanine 2050 with threonine.
Molecular consequence: missense variant.
Genome position (GRCh38, 1-based): chr18:45,870,644, C>T on the plus strand (G>A on the coding strand, the complement: EPG5 is on the minus strand). VCF-style: chr18-45870644-C-T. GRCh37 (hg19) VCF-style: chr18-43450609-C-T.
Other names: c.6148G>A (NM_020964.2); short protein forms A2050T.
Identifiers: ClinVar variation 1512034 (VCV001512034.8), dbSNP rs746878988, ClinGen allele CA8948361.

ClinVar aggregate classification (germline): Conflicting classifications of pathogenicity. Review status: criteria provided, conflicting classifications (1 of 4 stars). 3 submissions from 3 submitters: Uncertain significance (2); Likely benign (1). Last evaluated 2025-09-07.

Conditions:
Inborn genetic diseases. Identifiers: MedGen C0950123, MeSH D030342.
EPG5-related disorder. Also called: EPG5-related condition. Identifiers: MedGen CN381528.
Vici syndrome (VICIS). Identifiers: Orphanet 1493, MedGen C1855772, MONDO:0009452, OMIM 242840.

Allele frequency attached by ClinVar (database versions not stated): ExAC 0.00002; gnomAD 0.00004; gnomAD exomes 0.00004; TOPMed 0.00005.
gnomAD v4.1: 66 of 1,613,882 alleles (0.0041%); highest among the groups gnomAD compares: Middle Eastern, 0.049%; no homozygotes.

Submissions (3):

PreventionGenetics, part of Exact Sciences
Classification: Uncertain significance for EPG5-related condition. Last evaluated: 2025-09-07. Review status: criteria provided, single submitter. Criteria: ACMG Guidelines, 2015. Collection method: clinical testing. Allele origin: germline.
Comment: The EPG5 c.6148G>A variant is predicted to result in the amino acid substitution p.Ala2050Thr. To our knowledge, this variant has not been reported in the literature. This variant is present in 0.0093% of alleles in individuals of European (Non-Finnish) descent in gnomAD. At this time, the clinical significance of this variant is uncertain due to the absence of conclusive functional and genetic evidence.

Ambry Genetics
Classification: Likely benign for Inborn genetic diseases. Last evaluated: 2022-11-07. Review status: criteria provided, single submitter. Criteria: Ambry Variant Classification Scheme 2023. Collection method: clinical testing. Allele origin: germline.

Labcorp Genetics (formerly Invitae), Labcorp
Classification: Uncertain significance for Vici syndrome. Last evaluated: 2022-07-19. Review status: criteria provided, single submitter. Criteria: Invitae Variant Classification Sherloc (09022015). Collection method: clinical testing. Allele origin: germline.
Comment: This sequence change replaces alanine, which is neutral and non-polar, with threonine, which is neutral and polar, at codon 2050 of the EPG5 protein (p.Ala2050Thr). This variant is present in population databases (rs746878988, gnomAD 0.009%). This variant has not been reported in the literature in individuals affected with EPG5-related conditions. ClinVar contains an entry for this variant (Variation ID: 1512034). Algorithms developed to predict the effect of missense changes on protein structure and function output the following: SIFT: "Tolerated"; PolyPhen-2: "Benign"; Align-GVGD: "Class C0". The threonine amino acid residue is found in multiple mammalian species, which suggests that this missense change does not adversely affect protein function. In summary, the available evidence is currently insufficient to determine the role of this variant in disease. Therefore, it has been classified as a Variant of Uncertain Significance.